The following is an entry in ClinVar:

ClinVar aggregate classification (germline): Uncertain significance (1 of 4 stars; one submission).

gnomAD v4.1: 5 of 1,614,004 alleles (0.00031%); highest among the groups gnomAD compares: Non-Finnish European, 0.00034%; no homozygotes.

Submission:

Labcorp Genetics (formerly Invitae), Labcorp
Classification: Uncertain significance. Last evaluated: 2024-05-09. Review status: criteria provided, single submitter. Criteria: Invitae Variant Classification Sherloc (09022015). Collection method: clinical testing. Allele origin: germline.
Comment: This sequence change replaces threonine, which is neutral and polar, with isoleucine, which is neutral and non-polar, at codon 97 of the GUCA1B protein (p.Thr97Ile). This variant is present in population databases (rs770570900, gnomAD 0.004%). This variant has not been reported in the literature in individuals affected with GUCA1B-related conditions. An algorithm developed to predict the effect of missense changes on protein structure and function (PolyPhen-2) suggests that this variant is likely to be disruptive. In summary, the available evidence is currently insufficient to determine the role of this variant in disease. Therefore, it has been classified as a Variant of Uncertain Significance.

NM_002098.6(GUCA1B):c.290C>T (p.Thr97Ile)

Gene: GUCA1B (guanylate cyclase activator 1B; minus strand). Cytogenetic location: 6p21.1.
Variant type: single nucleotide variant.
Coding change: c.290C>T on transcript NM_002098.6 (MANE Select); coding-DNA position 290, C replaced by T.
Protein change: p.Thr97Ile; replaces threonine 97 with isoleucine.
Molecular consequence: missense variant.
Genome position (GRCh38, 1-based): chr6:42,188,649, G>A on the plus strand (C>T on the coding strand, the complement: GUCA1B is on the minus strand). VCF-style: chr6-42188649-G-A. GRCh37 (hg19) VCF-style: chr6-42156387-G-A.
Other names: short protein forms T97I.
Identifiers: ClinVar variation 3669754 (VCV003669754.2).